The following is an entry in ClinVar:

ClinVar aggregate classification (germline): Uncertain significance. Review status: criteria provided, multiple submitters, no conflicts (2 of 4 stars). 3 submissions from 3 submitters: Uncertain significance (3). Last evaluated 2026-01-14.

Conditions:
DSG1-related disorder. Also called: DSG1-related condition.

Allele frequency attached by ClinVar (database versions not stated): TOPMed 0.00002; gnomAD 0.00003; gnomAD exomes 0.00004 and 0.00007; ExAC 0.00005.
gnomAD v4.1: 57 of 1,614,098 alleles (0.0035%); highest among the groups gnomAD compares: Admixed American, 0.0083%; no homozygotes.

Submissions (3):

Labcorp Genetics (formerly Invitae), Labcorp
Classification: Uncertain significance. Last evaluated: 2026-01-14. Review status: criteria provided, single submitter. Criteria: Invitae Variant Classification Sherloc (09022015). Collection method: clinical testing. Allele origin: germline.
Comment: This sequence change replaces serine, which is neutral and polar, with alanine, which is neutral and non-polar, at codon 728 of the DSG1 protein (p.Ser728Ala). This variant is present in population databases (rs766954423, gnomAD 0.01%). This variant has not been reported in the literature in individuals affected with DSG1-related conditions. ClinVar contains an entry for this variant (Variation ID: 1012910). Invitae Evidence Modeling of protein sequence and biophysical properties (such as structural, functional, and spatial information, amino acid conservation, physicochemical variation, residue mobility, and thermodynamic stability) indicates that this missense variant is not expected to disrupt DSG1 protein function with a negative predictive value of 80%. In summary, the available evidence is currently insufficient to determine the role of this variant in disease. Therefore, it has been classified as a Variant of Uncertain Significance.

PreventionGenetics, part of Exact Sciences
Classification: Uncertain significance for DSG1-related condition. Last evaluated: 2025-12-08. Review status: criteria provided, single submitter. Criteria: ACMG Guidelines, 2015. Collection method: clinical testing. Allele origin: germline.
Comment: The DSG1 c.2182T>G variant is predicted to result in the amino acid substitution p.Ser728Ala. To our knowledge, this variant has not been reported in the literature. This variant is reported in 0.012% of alleles in individuals of European (Non-Finnish) descent in gnomAD. At this time, the clinical significance of this variant is uncertain due to the absence of conclusive functional and genetic evidence.

CeGaT Center for Human Genetics Tuebingen
Classification: Uncertain significance. Last evaluated: 2023-01-01. Review status: criteria provided, single submitter. Criteria: CeGaT Center For Human Genetics Tuebingen Variant Classification Criteria Version 2. Collection method: clinical testing. Allele origin: germline. Affected: yes. Observed: 2 variant alleles.

NM_001942.4(DSG1):c.2182T>G (p.Ser728Ala)

Genes: DSG1 (desmoglein 1; plus strand), DSG1-AS1 (DSG1 antisense RNA 1; minus strand), LOC126862720 (MED14-independent group 3 enhancer GRCh37_chr18:28933613-28934812; plus strand). Cytogenetic location: 18q12.1.
Variant type: single nucleotide variant.
Coding change: c.2182T>G on transcript NM_001942.4 (MANE Select); coding-DNA position 2182, T replaced by G.
Protein change: p.Ser728Ala; replaces serine 728 with alanine.
Molecular consequence: missense variant. On other transcripts: non-coding transcript variant (1).
Genome position (GRCh38, 1-based): chr18:31,354,378, T>G. VCF-style: chr18-31354378-T-G. GRCh37 (hg19) VCF-style: chr18-28934341-T-G.
Other names: c.2182T>G (NM_001942.3); short protein forms S728A.
Identifiers: ClinVar variation 1012910 (VCV001012910.44), dbSNP rs766954423, ClinGen allele CA8926309.